The following is an entry in ClinVar:

NM_001927.4(DES):c.352C>T (p.Arg118Cys)

Gene: DES (desmin; plus strand). Cytogenetic location: 2q35.
Variant type: single nucleotide variant.
Coding change: c.352C>T on transcript NM_001927.4 (MANE Select); coding-DNA position 352, C replaced by T.
Protein change: p.Arg118Cys; replaces arginine 118 with cysteine.
Molecular consequence: missense variant.
Genome position (GRCh38, 1-based): chr2:219,418,814, C>T. VCF-style: chr2-219418814-C-T. GRCh37 (hg19) VCF-style: chr2-220283536-C-T.
Other names: c.352C>T, p.Arg118Cys (NM_001382708.1, NM_001382709.1, NM_001382710.1 and 3 more transcripts); short protein forms R118C.
Identifiers: ClinVar variation 1306723 (VCV001306723.5), dbSNP rs1188232371, ClinGen allele CA350685461.

ClinVar aggregate classification (germline): Uncertain significance. Review status: criteria provided, multiple submitters, no conflicts (2 of 4 stars). 3 submissions from 3 submitters: Uncertain significance (3). Last evaluated 2026-06-24.

Conditions:
Cardiovascular phenotype. Identifiers: MedGen CN230736.
Desmin-related myofibrillar myopathy (MFM1). Also called: MYOFIBRILLAR MYOPATHY WITH ARRHYTHMOGENIC RIGHT VENTRICULAR CARDIOMYOPATHY; DESMIN-RELATED MYOPATHY WITH ARRHYTHMOGENIC RIGHT VENTRICULAR CARDIOMYOPATHY; Myofibrillar myopathy 1; Desminopathy; Desmin related myopathy (former name); Desmin storage myopathy (former name). Identifiers: Orphanet 363543, Orphanet 98909, MedGen C1832370, MONDO:0011076, OMIM 601419.

Submissions (3):

Ambry Genetics
Classification: Uncertain significance for Cardiovascular phenotype. Last evaluated: 2026-06-24. Review status: criteria provided, single submitter. Criteria: Ambry Variant Classification Scheme 2023. Collection method: clinical testing. Allele origin: germline.
Comment: The p.R118C variant (also known as c.352C>T), located in coding exon 1 of the DES gene, results from a C to T substitution at nucleotide position 352. The arginine at codon 118 is replaced by cysteine, an amino acid with highly dissimilar properties. This variant was reported in individual(s) with features consistent with (Boen HM et al. Cardiooncology, 2024 Apr;10:26; external communication). In an assay testing DES function, this variant showed a functionally abnormal result (Brodehl A et al. Cells, 2022 Dec;11:[ePub ahead of print]). This amino acid position is highly conserved in available vertebrate species. In addition, this alteration is predicted to be deleterious by in silico analysis. Based on the available evidence, the clinical significance of this variant remains unclear.

Labcorp Genetics (formerly Invitae), Labcorp
Classification: Uncertain significance for Desmin-related myofibrillar myopathy. Last evaluated: 2024-07-06. Review status: criteria provided, single submitter. Criteria: Invitae Variant Classification Sherloc (09022015). Collection method: clinical testing. Allele origin: germline.
Comment: This sequence change replaces arginine, which is basic and polar, with cysteine, which is neutral and slightly polar, at codon 118 of the DES protein (p.Arg118Cys). This variant is not present in population databases (gnomAD no frequency). This missense change has been observed in individual(s) with clinical features of DES-related conditions (Invitae). ClinVar contains an entry for this variant (Variation ID: 1306723). Advanced modeling of protein sequence and biophysical properties (such as structural, functional, and spatial information, amino acid conservation, physicochemical variation, residue mobility, and thermodynamic stability) performed at Invitae indicates that this missense variant is expected to disrupt DES protein function with a positive predictive value of 80%. In summary, the available evidence is currently insufficient to determine the role of this variant in disease. Therefore, it has been classified as a Variant of Uncertain Significance.

GeneDx
Classification: Uncertain significance. Last evaluated: 2019-06-28. Review status: criteria provided, single submitter. Criteria: GeneDx Variant Classification Process June 2021. Collection method: clinical testing. Allele origin: germline. Affected: yes.
Comment: Has not been previously published as pathogenic or benign to our knowledge; Not observed in large population cohorts (Lek et al., 2016); In silico analysis, which includes protein predictors and evolutionary conservation, supports a deleterious effect

Literature cited by the submitters: PubMed 36497166 (cited by Ambry Genetics); PubMed 38689299 (cited by Ambry Genetics).